The following is an entry in ClinVar:

ClinVar aggregate classification (germline): Conflicting classifications of pathogenicity. Review status: criteria provided, conflicting classifications (1 of 4 stars). 3 submissions from 3 submitters: Uncertain significance (2); Likely benign (1). Last evaluated 2025-05-25.

Conditions:
Familial adenomatous polyposis 1 (FAP1). Also called: FAMILIAL ADENOMATOUS POLYPOSIS 1, ATTENUATED; POLYPOSIS, ADENOMATOUS INTESTINAL. Identifiers: MedGen C2713442, MONDO:0021056, OMIM 175100. Disease mechanism: loss of function.

Allele frequency attached by ClinVar (database versions not stated): gnomAD exomes below 0.00001.
gnomAD v4.1: 4 of 1,613,270 alleles (0.00025%); highest among the groups gnomAD compares: East Asian, 0.0022%; no homozygotes.

Submissions (3):

Labcorp Genetics (formerly Invitae), Labcorp
Classification: Uncertain significance for Familial adenomatous polyposis 1. Last evaluated: 2025-05-25. Review status: criteria provided, single submitter. Criteria: Invitae Variant Classification Sherloc (09022015). Collection method: clinical testing. Allele origin: germline.
Comment: This sequence change falls in intron 2 of the APC gene. It does not directly change the encoded amino acid sequence of the APC protein. It affects a nucleotide within the consensus splice site. This variant is not present in population databases (gnomAD no frequency). This variant has not been reported in the literature in individuals affected with APC-related conditions. ClinVar contains an entry for this variant (Variation ID: 2681822). Variants that disrupt the consensus splice site are a relatively common cause of aberrant splicing (PMID: 17576681, 9536098). Algorithms developed to predict the effect of sequence changes on RNA splicing suggest that this variant is not likely to affect RNA splicing. In summary, the available evidence is currently insufficient to determine the role of this variant in disease. Therefore, it has been classified as a Variant of Uncertain Significance.

Myriad Genetics, Inc.
Classification: Likely benign for Familial adenomatous polyposis 1. Last evaluated: 2024-02-22. Review status: criteria provided, single submitter. Criteria: Myriad Autosomal Dominant, Autosomal Recessive and X-Linked Classification Criteria (2023). Collection method: clinical testing. Allele origin: unknown.
Comment: This variant is considered likely benign. This variant is intronic and is not expected to impact mRNA splicing.

Quest Diagnostics Nichols Institute San Juan Capistrano
Classification: Uncertain significance. Last evaluated: 2023-06-14. Review status: criteria provided, single submitter. Criteria: Quest Diagnostics criteria. Collection method: clinical testing. Allele origin: unknown.
Comment: To the best of our knowledge, this variant has not been reported in the published literature. It also has not been reported in large, multi-ethnic general populations (Genome Aggregation Database). Analysis of this variant using software algorithms for the prediction of the effect of nucleotide changes on splicing yielded predictions that this variant does not affect APC mRNA splicing . Based on the available information, we are unable to determine the clinical significance of this variant.

Literature cited by the submitters: PubMed 17576681 (cited by Labcorp Genetics (formerly Invitae), Labcorp); PubMed 9536098 (cited by Labcorp Genetics (formerly Invitae), Labcorp).

NM_000038.6(APC):c.135+5C>G

Gene: APC (APC regulator of Wnt signaling pathway; plus strand). Cytogenetic location: 5q22.2.
Variant type: single nucleotide variant.
Coding change: c.135+5C>G on transcript NM_000038.6 (MANE Select); 5 bases into the intron after coding-DNA position 135, C replaced by G.
Molecular consequence: intron variant.
Genome position (GRCh38, 1-based): chr5:112,755,030, C>G. VCF-style: chr5-112755030-C-G. GRCh37 (hg19) VCF-style: chr5-112090727-C-G.
Other names: c.166-11296C>G (NM_001354902.2, NM_001127511.3, NM_001407446.1 and 1 more transcripts); c.135+5C>G (NM_001407448.1, NM_001407450.1, NM_001407457.1 and 16 more transcripts); c.-42-11296C>G (NM_001354900.2, NM_001354901.2, NM_001354905.2 and 1 more transcripts); c.61-11296C>G (NM_001354904.2, NM_001407451.1, NM_001354898.2); c.-901+5C>G (NM_001354906.2, NM_001407471.1, NM_001407470.1 and 1 more transcripts).
Identifiers: ClinVar variation 2681822 (VCV002681822.3), dbSNP rs1754805687, ClinGen allele CA1573473016.